The following is an entry in ClinVar:

ClinVar aggregate classification (germline): Uncertain significance (1 of 4 stars; one submission).

Conditions:
SIN3A-related intellectual disability syndrome. Identifiers: Orphanet 500163, MedGen CN258628, MONDO:0044699.

Submission:

Victorian Clinical Genetics Services, Murdoch Childrens Research Institute
Classification: Uncertain significance for SIN3A-related intellectual disability syndrome. Last evaluated: 2020-07-02. Review status: criteria provided, single submitter. Criteria: ACMG Guidelines, 2015. Collection method: clinical testing. Allele origin: germline. Inheritance: Autosomal dominant inheritance.
Comment: Based on the classification scheme VCGS_Germline_v1.1.1, this variant is classified as 3C-VUS. Following criteria are met: 0102 - Loss-of-function is a known mechanism of disease for this gene. (N) 0107 - This gene is known to be associated with autosomal dominant disease. (N) 0200 - Variant is predicted to result in a missense amino acid change from alanine to glycine (exon 19). (N) 0251 - Variant is heterozygous. (N) 0301 - Variant is absent from gnomAD. (P) 0309 - An alternative amino acid change at the same position has been observed in gnomAD v2 (1 Heterozygote, 0 Homozygotes). (N) 0503 - Missense variant consistently predicted to be tolerated or not conserved in mammals with a minor amino acid change. (B) 0600 - Variant is located in an annotated domain or motif. Variant is located in the Sin3a_C domain (Decipher). (N) 0705 - No comparable variants have previous evidence for pathogenicity. (N) 0807 - Variant has not previously been reported in a clinical context. (N) 0905 - No segregation evidence has been identified for this variant in the literature. (N) 1007 - No published functional evidence has been identified for this variant in the literature. (N) 1208 - Inheritance information for this variant is not currently available. (N) Legend: (P) - Pathogenic, (N) - Neutral, (B) - Benign

NM_001145358.2(SIN3A):c.3359C>G (p.Ala1120Gly)

Gene: SIN3A (SIN3 transcription regulator family member A; minus strand). Cytogenetic location: 15q24.2.
Variant type: single nucleotide variant.
Coding change: c.3359C>G on transcript NM_001145358.2 (MANE Select); coding-DNA position 3359, C replaced by G.
Protein change: p.Ala1120Gly; replaces alanine 1120 with glycine.
Molecular consequence: missense variant.
Genome position (GRCh38, 1-based): chr15:75,380,653, G>C on the plus strand (C>G on the coding strand, the complement: SIN3A is on the minus strand). VCF-style: chr15-75380653-G-C. GRCh37 (hg19) VCF-style: chr15-75672994-G-C.
Other names: c.3359C>G, p.Ala1120Gly (NM_001145357.2, NM_015477.3); short protein forms A1120G.
Identifiers: ClinVar variation 1699067 (VCV001699067.3), dbSNP rs2141382956, ClinGen allele CA393486658.